The following is an entry in ClinVar:

ClinVar aggregate classification (germline): Likely benign. Review status: criteria provided, single submitter (1 of 4 stars). 2 submissions from 2 submitters: Likely benign (1). 1 of the submissions does not count toward it. Last evaluated 2018-04-11.

Conditions:
SH2B1-related disorder. Also called: SH2B1-related condition.

Allele frequency attached by ClinVar (database versions not stated): gnomAD 0.00003 and 0.00004; gnomAD exomes 0.00003 and 0.00004; ExAC 0.00004; TOPMed 0.00004; ESP Exome Variant Server 0.00015.
gnomAD v4.1: 55 of 1,614,040 alleles (0.0034%); highest among the groups gnomAD compares: Non-Finnish European, 0.0044%; no homozygotes.

Submissions (2):

Labcorp Genetics (formerly Invitae), Labcorp
Classification: Likely benign. Last evaluated: 2018-04-11. Review status: criteria provided, single submitter. Criteria: Invitae Variant Classification Sherloc (09022015). Collection method: clinical testing. Allele origin: germline.

PreventionGenetics, part of Exact Sciences
Classification: Likely benign for SH2B1-related condition. Last evaluated: 2021-01-21. Review status: no assertion criteria provided. Collection method: clinical testing. Allele origin: germline. Not counted in ClinVar's aggregate classification.
Comment: This variant is classified as likely benign based on ACMG/AMP sequence variant interpretation guidelines (Richards et al. 2015 PMID: 25741868, with internal and published modifications).

NM_001387430.1(SH2B1):c.1077G>A (p.Val359=)

Gene: SH2B1 (SH2B adaptor protein 1; plus strand). Cytogenetic location: 16p11.2.
Variant type: single nucleotide variant.
Coding change: c.1077G>A on transcript NM_001387430.1 (MANE Select); coding-DNA position 1077, G replaced by A.
Protein change: p.Val359=; no amino-acid change (valine 359 retained).
Molecular consequence: synonymous variant.
Genome position (GRCh38, 1-based): chr16:28,869,041, G>A. VCF-style: chr16-28869041-G-A. GRCh37 (hg19) VCF-style: chr16-28880362-G-A.
Other names: c.1077G>A, p.Val359= (NM_001145795.2, NM_001145796.2, NM_001145797.2 and 4 more transcripts); c.69G>A, p.Val23= (NM_001308294.2).
Identifiers: ClinVar variation 740277 (VCV000740277.4), dbSNP rs144175795, ClinGen allele CA7986090.